The following is an entry in ClinVar:

NM_000093.5(COL5A1):c.3665G>A (p.Gly1222Glu)

Gene: COL5A1 (collagen type V alpha 1 chain; plus strand). Cytogenetic location: 9q34.3.
Variant type: single nucleotide variant.
Coding change: c.3665G>A on transcript NM_000093.5 (MANE Select); coding-DNA position 3665, G replaced by A.
Protein change: p.Gly1222Glu; replaces glycine 1222 with glutamic acid.
Molecular consequence: missense variant.
Genome position (GRCh38, 1-based): chr9:134,811,574, G>A. VCF-style: chr9-134811574-G-A. GRCh37 (hg19) VCF-style: chr9-137703420-G-A.
Other names: c.3665G>A, p.Gly1222Glu (NM_001278074.1); short protein forms G1222E.
Identifiers: ClinVar variation 2629756 (VCV002629756.1), dbSNP rs2490819708, ClinGen allele CA375454239.
Genomic context (GRCh38, chr9:134,811,574, plus strand): 5'-CTCGGGGCCAGCAGGGCCTTTTCGGGCAGAAAGGTGATGAAGGTCCCAGAGGCTTTCCTG[G>A]ACCCCCTGGGCCAGTGGGGCTGCAGGTAACTGTGGGGTTCTCACCACACCGGGCTCCTCC-3'
Protein context (NP_000084.3, residues 1212-1232): KGDEGPRGFP[Gly1222Glu]PPGPVGLQGL

ClinVar aggregate classification (germline): Uncertain significance (1 of 4 stars; one submission).

Conditions:
COL5A1-related disorder. Also called: COL5A1-related condition.

Submission:

PreventionGenetics, part of Exact Sciences
Classification: Uncertain significance for COL5A1-related condition. Last evaluated: 2023-01-12. Review status: criteria provided, single submitter. Criteria: ACMG Guidelines, 2015. Collection method: clinical testing. Allele origin: germline.
Comment: The COL5A1 c.3665G>A variant is predicted to result in the amino acid substitution p.Gly1222Glu. To our knowledge, this variant has not been reported in the literature or in a large population database, indicating this variant is rare. Most documented pathogenic missense variants in COL5A1 substitute a glycine residue to a bulkier amino acid in the triple helical region (for examples see Malfait et al. 2005. PubMed ID: 15580559; Mitchell et al. 2009. PubMed ID: 19370768; Giunta and Steinmann. 2000. PubMed ID: 10602121; Symoens et al. 2012. PubMed ID: 22696272). While this variant may be causative, at this time, the clinical significance of this variant is uncertain due to the absence of conclusive functional and genetic evidence.